The following is an entry in ClinVar:

ClinVar aggregate classification (germline): Uncertain significance. Review status: criteria provided, multiple submitters, no conflicts (2 of 4 stars). 2 submissions from 2 submitters: Uncertain significance (2). Last evaluated 2024-01-30.

Conditions:
Stüve-Wiedemann syndrome 1. Also called: STUVE-WIEDEMANN/SCHWARTZ-JAMPEL TYPE 2 SYNDROME. Identifiers: Orphanet 3206, MedGen C5676888, MONDO:0800043, OMIM 601559.

Allele frequency attached by ClinVar (database versions not stated): gnomAD exomes below 0.00001.
gnomAD v4.1: 6 of 1,612,646 alleles (0.00037%); highest among the groups gnomAD compares: Middle Eastern, 0.033%; no homozygotes.

Submissions (2):

Fulgent Genetics
Classification: Uncertain significance for Stüve-Wiedemann syndrome 1. Last evaluated: 2024-01-30. Review status: criteria provided, single submitter. Criteria: ACMG Guidelines, 2015. Collection method: clinical testing. Allele origin: germline.

GeneDx
Classification: Uncertain significance. Last evaluated: 2019-05-22. Review status: criteria provided, single submitter. Criteria: GeneDx Variant Classification Process June 2021. Collection method: clinical testing. Allele origin: germline. Affected: yes.
Comment: Has not been previously published as pathogenic or benign to our knowledge; Not observed in large population cohorts (Lek et al., 2016); In silico analysis, which includes protein predictors and evolutionary conservation, supports that this variant does not alter protein structure/function

NM_001127671.2(LIFR):c.413C>G (p.Thr138Ser)

Gene: LIFR (LIF receptor subunit alpha; minus strand). Cytogenetic location: 5p13.1.
Variant type: single nucleotide variant.
Coding change: c.413C>G on transcript NM_001127671.2 (MANE Select); coding-DNA position 413, C replaced by G.
Protein change: p.Thr138Ser; replaces threonine 138 with serine.
Molecular consequence: missense variant.
Genome position (GRCh38, 1-based): chr5:38,523,567, G>C on the plus strand (C>G on the coding strand, the complement: LIFR is on the minus strand). VCF-style: chr5-38523567-G-C. GRCh37 (hg19) VCF-style: chr5-38523669-G-C.
Other names: c.413C>G, p.Thr138Ser (NM_001364297.2, NM_001364298.2, NM_002310.6); short protein forms T138S.
Identifiers: ClinVar variation 1321149 (VCV001321149.3), dbSNP rs1580108976, ClinGen allele CA359615506.